The following is an entry in ClinVar:

NM_000108.5(DLD):c.685-14T>A

Gene: DLD (dihydrolipoamide dehydrogenase; plus strand). Cytogenetic location: 7q31.1.
Variant type: single nucleotide variant.
Coding change: c.685-14T>A on transcript NM_000108.5 (MANE Select); 14 bases into the intron before coding-DNA position 685, T replaced by A.
Molecular consequence: intron variant.
Genome position (GRCh38, 1-based): chr7:107,915,492, T>A. VCF-style: chr7-107915492-T-A. GRCh37 (hg19) VCF-style: chr7-107555937-T-A.
Other names: p.?; c.541-14T>A (NM_001289752.1); c.616-14T>A (NM_001289751.1); c.388-14T>A (NM_001289750.1).
Identifiers: ClinVar variation 137097 (VCV000137097.27), dbSNP rs80111449, ClinGen allele CA290607.

ClinVar aggregate classification (germline): Benign. Review status: criteria provided, multiple submitters, no conflicts (2 of 4 stars). 9 submissions from 7 submitters: Benign (9). Last evaluated 2026-02-04.

Conditions:
Pyruvate dehydrogenase complex deficiency (PDHC). Also called: Pyruvate Dehydrogenase Complex Deficiency Disease; Pyruvate dehydrogenase deficiency; Ataxia with lactic acidosis 1; PYRUVATE DECARBOXYLASE DEFICIENCY; PDH DEFICIENCY. Identifiers: Orphanet 765, Orphanet 79243, MedGen C0034345, MONDO:0019169.
Pyruvate dehydrogenase E3 deficiency (DLDD). Also called: Dihydrolipoamide Dehydrogenase (E3) Deficiency; MAPLE SYRUP URINE DISEASE, TYPE III; Lipoamide dehydrogenase deficiency, lactic acidosis due to; Lipoamide dehydrogenase deficiency; Dihydrolipoamide Dehydrogenase Deficiency; DLD DEFICIENCY. Identifiers: Orphanet 2394, Orphanet 765, MedGen C5574660, MONDO:0009529, OMIM 246900.
Leigh syndrome (NULS). Also called: Leigh Disease; Subacute necrotizing encephalopathy; Necrotizing encephalopathy infantile subacute of Leigh; Leigh Syndrome (mtDNA deletion); Leigh's necrotizing encephalopathy; Leigh's disease. Identifiers: Orphanet 506, MedGen C2931891, MONDO:0009723, OMIM 256000.

Allele frequency attached by ClinVar (database versions not stated): ESP Exome Variant Server 0.02553; TOPMed 0.02838; ExAC 0.01690; gnomAD exomes 0.01555 and 0.01578; 1000 Genomes Project 0.02616; gnomAD 0.02638 and 0.02691; 1000 Genomes Project 30x 0.02873.
gnomAD v4.1: 27,121 of 1,613,322 alleles (1.7%); highest among the groups gnomAD compares: African/African-American, 6.3%; 382 homozygotes.

Submissions (31):

Labcorp Genetics (formerly Invitae), Labcorp
Classification: Benign for Pyruvate dehydrogenase E3 deficiency. Last evaluated: 2026-02-04. Review status: criteria provided, single submitter. Criteria: Invitae Variant Classification Sherloc (09022015). Collection method: clinical testing. Allele origin: germline.

Mayo Clinic Laboratories, Mayo Clinic
Classification: Benign. Last evaluated: 2025-09-23. Review status: criteria provided, single submitter. Criteria: ACMG Guidelines, 2015. Collection method: clinical testing. Allele origin: germline. Observed: 1 variant allele.

ARUP Laboratories, Molecular Genetics and Genomics, ARUP Laboratories
Classification: Benign for Pyruvate dehydrogenase E3 deficiency. Last evaluated: 2023-11-07. Review status: criteria provided, single submitter. Criteria: ARUP Molecular Germline Variant Investigation Process 2024. Collection method: clinical testing. Allele origin: germline.

Illumina Laboratory Services, Illumina
Classification: Benign for Pyruvate dehydrogenase complex deficiency. Last evaluated: 2018-01-13. Review status: criteria provided, single submitter. Criteria: ICSL Variant Classification Criteria 13 December 2019. Collection method: clinical testing. Allele origin: germline.
Comment: This variant was observed in the ICSL laboratory as part of a predisposition screen in an ostensibly healthy population. It had not been previously curated by ICSL or reported in the Human Gene Mutation Database (HGMD: prior to June 1st, 2018), and was therefore a candidate for classification through an automated scoring system. Utilizing variant allele frequency, disease prevalence and penetrance estimates, and inheritance mode, an automated score was calculated to assess if this variant is too frequent to cause the disease. Based on the score and internal cut-off values, a variant classified as benign is not then subjected to further curation. The score for this variant resulted in a classification of benign for this disease.

Illumina Laboratory Services, Illumina
Classification: Benign for Leigh syndrome. Last evaluated: 2018-01-13. Review status: criteria provided, single submitter. Criteria: ICSL Variant Classification Criteria 13 December 2019. Collection method: clinical testing. Allele origin: germline.
Comment: the same text as in the submission from Illumina Laboratory Services, Illumina above.

Illumina Laboratory Services, Illumina
Classification: Benign for Pyruvate dehydrogenase E3 deficiency. Last evaluated: 2018-01-13. Review status: criteria provided, single submitter. Criteria: ICSL Variant Classification Criteria 13 December 2019. Collection method: clinical testing. Allele origin: germline.
Comment: the same text as in the submission from Illumina Laboratory Services, Illumina above.

Eurofins Ntd Llc (ga)
Classification: Benign. Last evaluated: 2017-01-31. Review status: criteria provided, single submitter. Criteria: EGL Classification Definitions 2015. Collection method: clinical testing. Allele origin: germline. Observed: 1 variant allele, 1 heterozygote.

GeneDx
Classification: Benign. Last evaluated: 2011-07-29. Review status: criteria provided, single submitter. Criteria: GeneDx Variant Classification (06012015). Collection method: clinical testing. Allele origin: germline. Affected: yes.
Comment: This variant is considered likely benign or benign based on one or more of the following criteria: it is a conservative change, it occurs at a poorly conserved position in the protein, it is predicted to be benign by multiple in silico algorithms, and/or has population frequency not consistent with disease.

Breakthrough Genomics
Classification: Benign. Review status: criteria provided, single submitter. Criteria: ACMG Guidelines, 2015. Collection method: not provided. Allele origin: germline. Inheritance: Autosomal recessive inheritance. Affected: yes.

Dr. Peter K. Rogan Lab, Western University
No classification provided (evidence only). Condition: Acute myeloid leukemia. Review status: no classification provided. Collection method: in vitro. Allele origin: not applicable. Functional consequence: retained intron. Not counted in ClinVar's aggregate classification.

Dr. Peter K. Rogan Lab, Western University
No classification provided (evidence only). Condition: Uterine corpus endometrial carcinoma. Review status: no classification provided. Collection method: in vitro. Allele origin: not applicable. Functional consequence: retained intron. Not counted in ClinVar's aggregate classification.

Dr. Peter K. Rogan Lab, Western University
No classification provided (evidence only). Condition: Uterine corpus endometrial carcinoma. Review status: no classification provided. Collection method: in vitro. Allele origin: not applicable. Functional consequence: retained intron. Not counted in ClinVar's aggregate classification.

Dr. Peter K. Rogan Lab, Western University
No classification provided (evidence only). Condition: Uterine corpus endometrial carcinoma. Review status: no classification provided. Collection method: in vitro. Allele origin: not applicable. Functional consequence: retained intron. Not counted in ClinVar's aggregate classification.

Dr. Peter K. Rogan Lab, Western University
No classification provided (evidence only). Condition: Uterine corpus endometrial carcinoma. Review status: no classification provided. Collection method: in vitro. Allele origin: not applicable. Functional consequence: retained intron. Not counted in ClinVar's aggregate classification.

Dr. Peter K. Rogan Lab, Western University
No classification provided (evidence only). Condition: Cervical cancer. Review status: no classification provided. Collection method: in vitro. Allele origin: not applicable. Functional consequence: retained intron. Not counted in ClinVar's aggregate classification.

Dr. Peter K. Rogan Lab, Western University
No classification provided (evidence only). Condition: Cervical cancer. Review status: no classification provided. Collection method: in vitro. Allele origin: not applicable. Functional consequence: retained intron. Not counted in ClinVar's aggregate classification.

Dr. Peter K. Rogan Lab, Western University
No classification provided (evidence only). Condition: Cervical cancer. Review status: no classification provided. Collection method: in vitro. Allele origin: not applicable. Functional consequence: retained intron. Not counted in ClinVar's aggregate classification.

Dr. Peter K. Rogan Lab, Western University
No classification provided (evidence only). Condition: Sarcoma. Review status: no classification provided. Collection method: in vitro. Allele origin: not applicable. Functional consequence: retained intron. Not counted in ClinVar's aggregate classification.

Dr. Peter K. Rogan Lab, Western University
No classification provided (evidence only). Condition: Sarcoma. Review status: no classification provided. Collection method: in vitro. Allele origin: not applicable. Functional consequence: retained intron. Not counted in ClinVar's aggregate classification.

Dr. Peter K. Rogan Lab, Western University
No classification provided (evidence only). Condition: Thymoma. Review status: no classification provided. Collection method: in vitro. Allele origin: not applicable. Functional consequence: retained intron. Not counted in ClinVar's aggregate classification.

Dr. Peter K. Rogan Lab, Western University
No classification provided (evidence only). Condition: Ovarian serous cystadenocarcinoma. Review status: no classification provided. Collection method: in vitro. Allele origin: not applicable. Functional consequence: retained intron. Not counted in ClinVar's aggregate classification.

Dr. Peter K. Rogan Lab, Western University
No classification provided (evidence only). Condition: Ovarian serous cystadenocarcinoma. Review status: no classification provided. Collection method: in vitro. Allele origin: not applicable. Functional consequence: retained intron. Not counted in ClinVar's aggregate classification.

Dr. Peter K. Rogan Lab, Western University
No classification provided (evidence only). Condition: Ovarian serous cystadenocarcinoma. Review status: no classification provided. Collection method: in vitro. Allele origin: not applicable. Functional consequence: retained intron. Not counted in ClinVar's aggregate classification.

Dr. Peter K. Rogan Lab, Western University
No classification provided (evidence only). Condition: Ovarian serous cystadenocarcinoma. Review status: no classification provided. Collection method: in vitro. Allele origin: not applicable. Functional consequence: retained intron. Not counted in ClinVar's aggregate classification.

Dr. Peter K. Rogan Lab, Western University
No classification provided (evidence only). Condition: Gastric cancer. Review status: no classification provided. Collection method: in vitro. Allele origin: not applicable. Functional consequence: retained intron. Not counted in ClinVar's aggregate classification.

Dr. Peter K. Rogan Lab, Western University
No classification provided (evidence only). Condition: Gastric cancer. Review status: no classification provided. Collection method: in vitro. Allele origin: not applicable. Functional consequence: retained intron. Not counted in ClinVar's aggregate classification.

Dr. Peter K. Rogan Lab, Western University
No classification provided (evidence only). Condition: Gastric cancer. Review status: no classification provided. Collection method: in vitro. Allele origin: not applicable. Functional consequence: retained intron. Not counted in ClinVar's aggregate classification.

Dr. Peter K. Rogan Lab, Western University
No classification provided (evidence only). Condition: Malignant tumor of esophagus. Review status: no classification provided. Collection method: in vitro. Allele origin: not applicable. Functional consequence: skipped exon. Not counted in ClinVar's aggregate classification.

Dr. Peter K. Rogan Lab, Western University
No classification provided (evidence only). Condition: Chronic lymphocytic leukemia/small lymphocytic lymphoma. Review status: no classification provided. Collection method: in vitro. Allele origin: not applicable. Functional consequence: retained intron. Not counted in ClinVar's aggregate classification.

Dr. Peter K. Rogan Lab, Western University
No classification provided (evidence only). Condition: Hepatocellular carcinoma. Review status: no classification provided. Collection method: in vitro. Allele origin: not applicable. Functional consequence: retained intron. Not counted in ClinVar's aggregate classification.

Dr. Peter K. Rogan Lab, Western University
No classification provided (evidence only). Condition: Ovarian cancer. Review status: no classification provided. Collection method: in vitro. Allele origin: not applicable. Functional consequence: retained intron. Not counted in ClinVar's aggregate classification.